The following is an entry in ClinVar:

NM_152383.5(DIS3L2):c.67G>T (p.Ala23Ser)

Gene: DIS3L2 (DIS3 like 3'-5' exoribonuclease 2; plus strand). Cytogenetic location: 2q37.1.
Variant type: single nucleotide variant.
Coding change: c.67G>T on transcript NM_152383.5 (MANE Select); coding-DNA position 67, G replaced by T.
Protein change: p.Ala23Ser; replaces alanine 23 with serine.
Molecular consequence: missense variant. On other transcripts: non-coding transcript variant (2).
Genome position (GRCh38, 1-based): chr2:232,015,528, G>T. VCF-style: chr2-232015528-G-T. GRCh37 (hg19) VCF-style: chr2-232880238-G-T.
Other names: c.67G>T, p.Ala23Ser (NM_001257281.2, NM_001257282.2); short protein forms A23S.
Identifiers: ClinVar variation 1935746 (VCV001935746.5), dbSNP rs886288172, ClinGen allele CA351151835.

ClinVar aggregate classification (germline): Uncertain significance (1 of 4 stars; one submission).

Conditions:
Perlman syndrome (PRLMNS). Identifiers: Orphanet 2849, MedGen C0796113, MONDO:0009965, OMIM 267000.

Submission:

Labcorp Genetics (formerly Invitae), Labcorp
Classification: Uncertain significance for Perlman syndrome. Last evaluated: 2022-03-28. Review status: criteria provided, single submitter. Criteria: Invitae Variant Classification Sherloc (09022015). Collection method: clinical testing. Allele origin: germline.
Comment: This sequence change replaces alanine, which is neutral and non-polar, with serine, which is neutral and polar, at codon 23 of the DIS3L2 protein (p.Ala23Ser). This variant is not present in population databases (gnomAD no frequency). In summary, the available evidence is currently insufficient to determine the role of this variant in disease. Therefore, it has been classified as a Variant of Uncertain Significance. Algorithms developed to predict the effect of missense changes on protein structure and function (SIFT, PolyPhen-2, Align-GVGD) all suggest that this variant is likely to be tolerated. This variant has not been reported in the literature in individuals affected with DIS3L2-related conditions.